The following is an entry in ClinVar:

NC_012920.1(MT-ND2):m.5080A>G

Gene: MT-ND2 (mitochondrially encoded NADH dehydrogenase 2; plus strand).
Variant type: single nucleotide variant.
Genome position: chrM-5080-A-G.
Identifiers: ClinVar variation 692543 (VCV000692543.1), dbSNP rs1603219771, ClinGen allele CA414778791.
Genomic context (GRCh38, chrMT:5,080, plus strand): 5'-TTACCCACATAGGATGAATAATAGCAGTTCTACCGTACAACCCTAACATAACCATTCTTA[A>G]TTTAACTATTTATATTATCCTAACTACTACCGCATTCCTACTACTCAACTTAAACTCCAG-3'

ClinVar aggregate classification (germline): Uncertain significance (1 of 4 stars; one submission).

Conditions:
Leigh syndrome (NULS). Also called: Leigh's necrotizing encephalopathy; Leigh's disease; Leigh Syndrome (mtDNA deletion); Leigh Disease; Subacute necrotizing encephalopathy; Necrotizing encephalopathy infantile subacute of Leigh. Identifiers: Orphanet 506, MedGen C2931891, MONDO:0009723, OMIM 256000.

Submission:

Wong Mito Lab, Molecular and Human Genetics, Baylor College of Medicine
Classification: Uncertain significance for Leigh syndrome. Last evaluated: 2019-10-17. Review status: criteria provided, single submitter. Criteria: Modified ACMG Guidelines (Unpublished). Collection method: clinical testing. Allele origin: germline.
Comment: The NC_012920.1:m.5080A>G (YP_003024027.1:p.Asn204Ser) variant in MTND2 gene is interpretated to be a Uncertain Significance variant based on the modified ACMG guidelines (unpublished). This variant meets the following evidence codes: PP4, BP4